The following is an entry in ClinVar:

NM_016816.4(OAS1):c.910C>A (p.Pro304Thr)

Gene: OAS1 (2'-5'-oligoadenylate synthetase 1; plus strand). Cytogenetic location: 12q24.13.
Variant type: single nucleotide variant.
Coding change: c.910C>A on transcript NM_016816.4 (MANE Select); coding-DNA position 910, C replaced by A.
Protein change: p.Pro304Thr; replaces proline 304 with threonine.
Molecular consequence: missense variant. On other transcripts: non-coding transcript variant (9).
Genome position (GRCh38, 1-based): chr12:112,917,572, C>A. VCF-style: chr12-112917572-C-A. GRCh37 (hg19) VCF-style: chr12-113355377-C-A.
Other names: c.910C>A, p.Pro304Thr (NM_001320151.2, NM_001406022.1, NM_002534.4 and 1 more transcripts); c.886C>A, p.Pro296Thr (NM_001406020.1, NM_001406021.1, NM_001406023.1 and 2 more transcripts); c.436C>A, p.Pro146Thr (NM_001406026.1, NM_001406027.1, NM_001406029.1 and 1 more transcripts); short protein forms P146T, P296T, P304T.
Identifiers: ClinVar variation 3898014 (VCV003898014.1).

ClinVar aggregate classification (germline): Uncertain significance (1 of 4 stars; one submission).

Conditions:
Pulmonary alveolar proteinosis with hypogammaglobulinemia. Identifiers: Orphanet 572428, MedGen C4747984, MONDO:0020840, OMIM 618042.

Submission:

Neuberg Centre For Genomic Medicine, NCGM
Classification: Uncertain significance for Pulmonary alveolar proteinosis with hypogammaglobulinemia. Last evaluated: 2024-02-01. Review status: criteria provided, single submitter. Criteria: ACMG Guidelines, 2015. Collection method: clinical testing. Allele origin: germline. Inheritance: Autosomal dominant inheritance.
Comment: The above variant has not been reported previously in affected individuals, to our knowledge. Additional functional evidence will be required to prove the pathogenicity of this variant. For these reasons, this variant has been classified as a Variant of Uncertain Significance (VUS).